The following is an entry in ClinVar:

NM_004519.4(KCNQ3):c.92G>C (p.Gly31Ala)

Gene: KCNQ3 (potassium voltage-gated channel subfamily Q member 3; minus strand). Cytogenetic location: 8q24.22.
Variant type: single nucleotide variant.
Coding change: c.92G>C on transcript NM_004519.4 (MANE Select); coding-DNA position 92, G replaced by C.
Protein change: p.Gly31Ala; replaces glycine 31 with alanine.
Molecular consequence: missense variant.
Genome position (GRCh38, 1-based): chr8:132,480,441, C>G on the plus strand (G>C on the coding strand, the complement: KCNQ3 is on the minus strand). VCF-style: chr8-132480441-C-G. GRCh37 (hg19) VCF-style: chr8-133492688-C-G.
Other names: short protein forms G31A.
Identifiers: ClinVar variation 3367996 (VCV003367996.1).

ClinVar aggregate classification (germline): Uncertain significance (1 of 4 stars; one submission).

gnomAD v4.1: 3 of 1,418,142 alleles (0.00021%); highest among the groups gnomAD compares: African/African-American, 0.0044%; no homozygotes.

Submission:

GeneDx
Classification: Uncertain significance. Last evaluated: 2024-01-19. Review status: criteria provided, single submitter. Criteria: GeneDx Variant Classification Process June 2021. Collection method: clinical testing. Allele origin: germline. Affected: yes.
Comment: Not observed at significant frequency in large population cohorts (gnomAD); In silico analysis supports that this missense variant does not alter protein structure/function; Has not been previously published as pathogenic or benign to our knowledge